The following is an entry in ClinVar:

ClinVar aggregate classification (germline): Uncertain significance (1 of 4 stars; one submission).

Submission:

GeneDx
Classification: Uncertain significance. Last evaluated: 2013-08-27. Review status: criteria provided, single submitter. Criteria: GeneDx Variant Classification (06012015). Collection method: clinical testing. Allele origin: germline. Affected: yes.
Comment: The Asp320Val missense change in the SCN1A gene has not been published as a mutation, nor has it been reported as a benign polymorphism to our knowledge. It was not observed in approximately 6,500 individuals of European and African American ancestry in the NHLBI Exome Sequencing Project, indicating it is not a common benign variant in these populations. This variant is a non-conservative amino acid substitution of a negatively charged Aspartic acid residue with an uncharged Valine residue. The variant alters a conserved position between the S5 and S6 subunits of the first transmembrane domain, and other missense mutations associated with epilepsy have been reported in this region of the protein. In silico analysis is inconsistent with regard to the effect this variant may have on the protein structure/function. Therefore, based on the currently available information, it is unclear whether Asp320Val is a disease-causing mutation or a rare benign variant. The variant is found in INFANT-EPI panel(s).

NM_001165963.4(SCN1A):c.959A>T (p.Asp320Val)

Gene: SCN1A (sodium voltage-gated channel alpha subunit 1; minus strand). Cytogenetic location: 2q24.3.
Variant type: single nucleotide variant.
Coding change: c.959A>T on transcript NM_001165963.4 (MANE Select); coding-DNA position 959, A replaced by T.
Protein change: p.Asp320Val; replaces aspartic acid 320 with valine.
Molecular consequence: missense variant. On other transcripts: 5 prime UTR variant (1), non-coding transcript variant (1).
Genome position (GRCh38, 1-based): chr2:166,051,724, T>A on the plus strand (A>T on the coding strand, the complement: SCN1A is on the minus strand). VCF-style: chr2-166051724-T-A. GRCh37 (hg19) VCF-style: chr2-166908234-T-A.
Other names: p.D320V:GAT>GTT; c.959A>T, p.Asp320Val (NM_001165964.3, NM_001202435.3, NM_001353948.2 and 10 more transcripts); c.-1467A>T (NM_001353961.2); short protein forms D320V.
Identifiers: ClinVar variation 206753 (VCV000206753.2), dbSNP rs796052967, ClinGen allele CA317177.